The following is an entry in ClinVar:

ClinVar aggregate classification (germline): Uncertain significance (1 of 4 stars; one submission).

gnomAD v4.1: 39 of 1,573,990 alleles (0.0025%); highest among the groups gnomAD compares: Admixed American, 0.015%; no homozygotes.

Submission:

CeGaT Center for Human Genetics Tuebingen
Classification: Uncertain significance. Last evaluated: 2025-02-01. Review status: criteria provided, single submitter. Criteria: CeGaT Center For Human Genetics Tuebingen Variant Classification Criteria Version 2. Collection method: clinical testing. Allele origin: germline. Affected: yes. Observed: 1 variant allele.
Comment: AMH: PM2

NM_000479.5(AMH):c.480G>C (p.Glu160Asp)

Gene: AMH (anti-Mullerian hormone; plus strand). Cytogenetic location: 19p13.3.
Variant type: single nucleotide variant.
Coding change: c.480G>C on transcript NM_000479.5 (MANE Select); coding-DNA position 480, G replaced by C.
Protein change: p.Glu160Asp; replaces glutamic acid 160 with aspartic acid.
Molecular consequence: missense variant.
Genome position (GRCh38, 1-based): chr19:2,250,404, G>C. VCF-style: chr19-2250404-G-C. GRCh37 (hg19) VCF-style: chr19-2250403-G-C.
Other names: short protein forms E160D.
Identifiers: ClinVar variation 3771147 (VCV003771147.13).